The following is an entry in ClinVar:

NM_000784.4(CYP27A1):c.1554del (p.Asn519fs)

Gene: CYP27A1 (cytochrome P450 family 27 subfamily A member 1; plus strand). Cytogenetic location: 2q35.
Variant type: Deletion.
Coding change: c.1554del on transcript NM_000784.4 (MANE Select); coding-DNA position 1554, one base deleted (C; older notation c.1554delC).
Protein change: p.Asn519fs; shifts the reading frame from asparagine 519.
Molecular consequence: frameshift variant.
Genome position (GRCh38, 1-based): chr2:218,814,988, C deleted; the last of 3 consecutive C bases (chr2:218,814,986-218,814,988); deleting any one gives the same sequence. VCF-style (leftmost placement, unchanged base first): chr2-218814985-TC-T. GRCh37 (hg19) VCF-style: chr2-219679708-TC-T.
Other names: p.Asn519Ilefs*71; short protein forms N519fs.
Identifiers: ClinVar variation 4540803 (VCV004540803.1).

ClinVar aggregate classification (germline): Uncertain significance (1 of 4 stars; one submission).

Submission:

Mayo Clinic Laboratories, Mayo Clinic
Classification: Uncertain significance. Last evaluated: 2025-09-02. Review status: criteria provided, single submitter. Criteria: ACMG Guidelines, 2015. Collection method: clinical testing. Allele origin: germline. Observed: 1 variant allele.
Comment: PM2_supporting, PM4